The following is an entry in ClinVar:

ClinVar aggregate classification (germline): Likely benign. Review status: criteria provided, multiple submitters, no conflicts (2 of 4 stars). 2 submissions from 2 submitters: Likely benign (2). Last evaluated 2025-12-07.

Allele frequency attached by ClinVar (database versions not stated): 1000 Genomes Project 0.00100; 1000 Genomes Project 30x 0.00109; ExAC 0.00277; gnomAD 0.00281 and 0.00289; gnomAD exomes 0.00286 and 0.00413; TOPMed 0.00292; ESP Exome Variant Server 0.00405.
gnomAD v4.1: 6,417 of 1,612,478 alleles (0.4%); highest among the groups gnomAD compares: Non-Finnish European, 0.48%; 21 homozygotes.

Submissions (2):

Labcorp Genetics (formerly Invitae), Labcorp
Classification: Likely benign. Last evaluated: 2025-12-07. Review status: criteria provided, single submitter. Criteria: Invitae Variant Classification Sherloc (09022015). Collection method: clinical testing. Allele origin: germline.

CeGaT Center for Human Genetics Tuebingen
Classification: Likely benign. Last evaluated: 2025-09-01. Review status: criteria provided, single submitter. Criteria: CeGaT Center For Human Genetics Tuebingen Variant Classification Criteria Version 2. Collection method: clinical testing. Allele origin: germline. Affected: yes. Observed: 4 variant alleles.
Comment: HTT: BS2

NM_001388492.1(HTT):c.5122T>C (p.Cys1708Arg)

Gene: HTT (huntingtin; plus strand). Cytogenetic location: 4p16.3.
Variant type: single nucleotide variant.
Coding change: c.5122T>C on transcript NM_001388492.1 (MANE Select); coding-DNA position 5122, T replaced by C.
Protein change: p.Cys1708Arg; replaces cysteine 1708 with arginine.
Molecular consequence: missense variant.
Genome position (GRCh38, 1-based): chr4:3,187,783, T>C. VCF-style: chr4-3187783-T-C. GRCh37 (hg19) VCF-style: chr4-3189510-T-C.
Other names: c.5128T>C, p.Cys1710Arg (NM_002111.8); short protein forms C1708R, C1710R.
Identifiers: ClinVar variation 1567068 (VCV001567068.32), dbSNP rs150003356, ClinGen allele CA2824637.